The following is an entry in ClinVar:

NM_002878.4(RAD51D):c.584del (p.Gly195fs)

Genes: RAD51D (RAD51 paralog D; minus strand), RAD51L3-RFFL (RAD51L3-RFFL readthrough; minus strand). Cytogenetic location: 17q12.
Variant type: Deletion.
Coding change: c.584del on transcript NM_002878.4 (MANE Select); coding-DNA position 584, one base deleted (G; older notation c.584delG).
Protein change: p.Gly195fs; shifts the reading frame from glycine 195.
Molecular consequence: frameshift variant. On other transcripts: non-coding transcript variant (3).
Genome position (GRCh38, 1-based): chr17:35,103,537, C deleted on the plus strand (G on the coding strand, the reverse complement: RAD51D is on the minus strand); the first of 2 consecutive C bases (chr17:35,103,537-35,103,538); deleting either gives the same sequence. VCF-style (leftmost placement, unchanged base first): chr17-35103536-AC-A. GRCh37 (hg19) VCF-style: chr17-33430555-AC-A.
Other names: c.584delG (NM_002878.3); c.644del, p.Gly215fs (NM_001142571.2); c.583delG, p.Gly195Valfs (NM_002878.3); c.248del, p.Gly83fs (NM_133629.3); c.584del (NM_002878.3); short protein forms G195fs, G83fs, G215fs.
Identifiers: ClinVar variation 3148267 (VCV003148267.3), dbSNP rs2509130611, ClinGen allele CA2637227941.

ClinVar aggregate classification (germline): Pathogenic/Likely pathogenic. Review status: criteria provided, multiple submitters, no conflicts (2 of 4 stars). 3 submissions from 3 submitters: Pathogenic (2); Likely pathogenic (1). Last evaluated 2025-11-26.

Conditions:
Breast-ovarian cancer, familial, susceptibility to, 4. Identifiers: Orphanet 145, MedGen C3280345, MONDO:0013669, OMIM 614291.
Hereditary cancer-predisposing syndrome. Also called: Neoplastic Syndromes, Hereditary; Tumor predisposition; Hereditary neoplastic syndrome; Hereditary Cancer Syndrome. Identifiers: Orphanet 140162, MedGen C0027672, MeSH D009386, MONDO:0015356.

Submissions (3):

Ambry Genetics
Classification: Pathogenic for Hereditary cancer-predisposing syndrome. Last evaluated: 2025-11-26. Review status: criteria provided, single submitter. Criteria: Ambry Variant Classification Scheme 2023. Collection method: clinical testing. Allele origin: germline.
Comment: The c.584delG pathogenic mutation, located in coding exon 7 of the RAD51D gene, results from a deletion of one nucleotide at nucleotide position 584, causing a translational frameshift with a predicted alternate stop codon (p.G195Vfs*6). This variant is considered to be rare based on population cohorts in the Genome Aggregation Database (gnomAD). This alteration is expected to result in loss of function by premature protein truncation or nonsense-mediated mRNA decay. As such, this alteration is interpreted as a disease-causing mutation.

Greenwood Genetic Center Diagnostic Laboratories, Greenwood Genetic Center
Classification: Likely pathogenic for Breast-ovarian cancer, familial, susceptibility to, 4. Last evaluated: 2024-03-26. Review status: criteria provided, single submitter. Criteria: ACMG Guidelines, 2015. Collection method: clinical testing. Allele origin: germline. Affected: yes.
Comment: PVS1, PM2

Myriad Genetics, Inc.
Classification: Pathogenic for Breast-ovarian cancer, familial, susceptibility to, 4. Last evaluated: 2024-01-04. Review status: criteria provided, single submitter. Criteria: Myriad Autosomal Dominant, Autosomal Recessive and X-Linked Classification Criteria (2023). Collection method: clinical testing. Allele origin: unknown.
Comment: This variant is considered pathogenic. This variant creates a frameshift predicted to result in premature protein truncation.